The following is an entry in ClinVar:

NM_014208.3(DSPP):c.53T>A (p.Val18Asp)

Genes: DMP1-AS1 (DMP1 and DSPP antisense RNA 1; minus strand), DSPP (dentin sialophosphoprotein; plus strand). Cytogenetic location: 4q22.1.
Variant type: single nucleotide variant.
Coding change: c.53T>A on transcript NM_014208.3 (MANE Select); coding-DNA position 53, T replaced by A.
Protein change: p.Val18Asp; replaces valine 18 with aspartic acid.
Molecular consequence: missense variant.
Genome position (GRCh38, 1-based): chr4:87,612,106, T>A. VCF-style: chr4-87612106-T-A. GRCh37 (hg19) VCF-style: chr4-88533258-T-A.
Other names: short protein forms V18D.
Identifiers: ClinVar variation 1320199 (VCV001320199.1), dbSNP rs1727745724, ClinGen allele CA357602695.
Genomic context (GRCh38, chr4:87,612,106, plus strand): 5'-CTCACACACATATTCACAAATAAGAACCTTTTCAATAGCCAGTATTTTCTACTTGGCAGG[T>A]TCCTCAAAGCAAACCACTGGAGAGACATGTCGAAAAATCCATGAATTTGCATCTCCTAGC-3'
Protein context (NP_055023.2, residues 8-28): CIWAVAWAIP[Val18Asp]PQSKPLERHV

ClinVar aggregate classification (germline): Likely pathogenic (1 of 4 stars; one submission).

Conditions:
Dentinogenesis imperfecta type 2 (DGI1). Also called: Dentinogenesis imperfecta without osteogenesis imperfecta; Hereditary Opalescent Dentin; OPALESCENT DENTIN; OPALESCENT TEETH WITHOUT OSTEOGENESIS IMPERFECTA; CAPDEPONT TEETH; Dentinogenesis imperfecta - Shield's type II. Identifiers: Orphanet 166260, MedGen C2973527, MONDO:0007441, OMIM 125490. Disease mechanism: loss of function.

Submission:

3billion
Classification: Likely pathogenic for Dentinogenesis imperfecta type 2. Last evaluated: 2021-10-02. Review status: criteria provided, single submitter. Criteria: ACMG Guidelines, 2015. Collection method: clinical testing. Allele origin: unknown. Affected: yes. Observed: 1 heterozygote.
Comment: Same nucleotide change resulting in same amino acid change has been previously reported as pathogenic/likely pathogenic with supporting evidence (PMID: 19131317, PS1_P). It is not observed in the gnomAD v2.1.1 dataset (PM2). A different missense change at the same codon (p.Val18Phe, Val18Gly) has been reported as pathogenic (PMID: 22392858, PM5). In silico tool predictions suggest damaging effect of the variant on gene or gene product (REVEL: 0.742, PP3). Patient’s phenotype is considered as compatible with Dentinogenesis imperfecta (3billion dataset, PP4). Therefore, this variant is classified as likely pathogenic according to the recommendation of ACMG/AMP guideline.

Literature cited by the submitters: PubMed 22392858; PubMed 19131317.